The following is an entry in ClinVar:

NM_133433.4(NIPBL):c.7867C>T (p.Leu2623Phe)

Gene: NIPBL (NIPBL cohesin loading factor; plus strand). Cytogenetic location: 5p13.2.
Variant type: single nucleotide variant.
Coding change: c.7867C>T on transcript NM_133433.4 (MANE Select); coding-DNA position 7867, C replaced by T.
Protein change: p.Leu2623Phe; replaces leucine 2623 with phenylalanine.
Molecular consequence: missense variant.
Genome position (GRCh38, 1-based): chr5:37,063,796, C>T. VCF-style: chr5-37063796-C-T. GRCh37 (hg19) VCF-style: chr5-37063898-C-T.
Other names: c.7867C>T, p.Leu2623Phe (NM_015384.5); short protein forms L2623F.
Identifiers: ClinVar variation 2183671 (VCV002183671.5), dbSNP rs1030959034, ClinGen allele CA359520055.

ClinVar aggregate classification (germline): Uncertain significance. Review status: criteria provided, multiple submitters, no conflicts (2 of 4 stars). 2 submissions from 2 submitters: Uncertain significance (2). Last evaluated 2024-02-23.

Conditions:
Cornelia de Lange syndrome 1 (CDLS1). Also called: TYPUS DEGENERATIVUS AMSTELODAMENSIS; NIPBL-Related Cornelia de Lange Syndrome; Brachmann de Lange syndrome. Identifiers: Orphanet 199, MedGen C4551851, MONDO:0007387, OMIM 122470.

gnomAD v4.1: 1 of 1,613,282 alleles (0.000062%); highest among the groups gnomAD compares: Admixed American, 0.0017%; no homozygotes.

Submissions (2):

Labcorp Genetics (formerly Invitae), Labcorp
Classification: Uncertain significance for Cornelia de Lange syndrome 1. Last evaluated: 2024-02-23. Review status: criteria provided, single submitter. Criteria: Invitae Variant Classification Sherloc (09022015). Collection method: clinical testing. Allele origin: germline.
Comment: This sequence change replaces leucine, which is neutral and non-polar, with phenylalanine, which is neutral and non-polar, at codon 2623 of the NIPBL protein (p.Leu2623Phe). This variant is not present in population databases (gnomAD no frequency). This variant has not been reported in the literature in individuals affected with NIPBL-related conditions. ClinVar contains an entry for this variant (Variation ID: 2183671). Advanced modeling of protein sequence and biophysical properties (such as structural, functional, and spatial information, amino acid conservation, physicochemical variation, residue mobility, and thermodynamic stability) has been performed at Invitae for this missense variant, however the output from this modeling did not meet the statistical confidence thresholds required to predict the impact of this variant on NIPBL protein function. In summary, the available evidence is currently insufficient to determine the role of this variant in disease. Therefore, it has been classified as a Variant of Uncertain Significance.

Women's Health and Genetics/Laboratory Corporation of America, LabCorp
Classification: Uncertain significance. Last evaluated: 2023-10-27. Review status: criteria provided, single submitter. Criteria: LabCorp Variant Classification Summary - May 2015. Collection method: clinical testing. Allele origin: germline.
Comment: Variant summary: NIPBL c.7867C>T (p.Leu2623Phe) results in a non-conservative amino acid change in the encoded protein sequence. Three of five in-silico tools predict a damaging effect of the variant on protein function. The variant was absent in 249206 control chromosomes. The available data on variant occurrences in the general population are insufficient to allow any conclusion about variant significance. To our knowledge, no occurrence of c.7867C>T in individuals affected with Cornelia De Lange Syndrome 1 and no experimental evidence demonstrating its impact on protein function have been reported. One submitter has cited clinical-significance assessments for this variant to ClinVar after 2014 and has classified the variant as uncertain significance. Based on the evidence outlined above, the variant was classified as uncertain significance.